The following is an entry in ClinVar:

ClinVar aggregate classification (germline): Conflicting classifications of pathogenicity. Review status: criteria provided, conflicting classifications (1 of 4 stars). 3 submissions from 3 submitters: Likely pathogenic (1); Uncertain significance (2). Last evaluated 2025-08-15.

Conditions:
Hereditary cancer-predisposing syndrome. Also called: Hereditary Cancer Syndrome; Tumor predisposition; Neoplastic Syndromes, Hereditary; Hereditary neoplastic syndrome. Identifiers: Orphanet 140162, MedGen C0027672, MeSH D009386, MONDO:0015356.
Familial adenomatous polyposis 2. Also called: ADENOMAS, MULTIPLE COLORECTAL, AUTOSOMAL RECESSIVE; FAP type 2; MUTYH-associated polyposis; MUTYH Polyposis; Adenomas, multiple colorectal; MYH-associated polyposis. Identifiers: Orphanet 220460, Orphanet 247798, MedGen C3272841, MONDO:0012041, OMIM 608456.

Allele frequency attached by ClinVar (database versions not stated): gnomAD exomes below 0.00001.

Submissions (3):

Ambry Genetics
Classification: Likely pathogenic for Hereditary cancer-predisposing syndrome. Last evaluated: 2025-08-15. Review status: criteria provided, single submitter. Criteria: Ambry Variant Classification Scheme 2023. Collection method: clinical testing. Allele origin: germline.
Comment: The p.Y104D variant (also known as c.310T>G), located in coding exon 3 of the MUTYH gene, results from a T to G substitution at nucleotide position 310. The tyrosine at codon 104 is replaced by aspartic acid, an amino acid with highly dissimilar properties. In a massively parallel cell-based functional assay testing 7,8-dihydro-8-oxoguanine:adenine (8OG:A) repair activity, a byproduct of oxidative damage, this variant was reported to be non-functional (Hemker SL et al. Am J Hum Genet. Published online July 29, 2025. DOI: 10.1016/j.ajhg.2025.07.005). This amino acid position is highly conserved in available vertebrate species. In addition, this alteration is predicted to be deleterious by in silico analysis. This variant is considered to be rare based on population cohorts in the Genome Aggregation Database (gnomAD). Based on the majority of available evidence to date, this variant is likely to be pathogenic.

Labcorp Genetics (formerly Invitae), Labcorp
Classification: Uncertain significance for Familial adenomatous polyposis 2. Last evaluated: 2024-03-14. Review status: criteria provided, single submitter. Criteria: Invitae Variant Classification Sherloc (09022015). Collection method: clinical testing. Allele origin: germline.
Comment: This sequence change replaces tyrosine, which is neutral and polar, with aspartic acid, which is acidic and polar, at codon 104 of the MUTYH protein (p.Tyr104Asp). This variant is not present in population databases (gnomAD no frequency). This variant has not been reported in the literature in individuals affected with MUTYH-related conditions. ClinVar contains an entry for this variant (Variation ID: 406864). An algorithm developed to predict the effect of missense changes on protein structure and function (PolyPhen-2) suggests that this variant is likely to be disruptive. In summary, the available evidence is currently insufficient to determine the role of this variant in disease. Therefore, it has been classified as a Variant of Uncertain Significance.

Genetics and Molecular Pathology, SA Pathology
Classification: Uncertain significance for Familial adenomatous polyposis 2. Last evaluated: 2022-08-17. Review status: criteria provided, single submitter. Criteria: ACMG Guidelines, 2015. Collection method: clinical testing. Allele origin: germline. Affected: yes.

Literature cited by the submitters: PubMed 40738107 (cited by Ambry Genetics).

NM_001048174.2(MUTYH):c.226T>G (p.Tyr76Asp)

Gene: MUTYH (mutY DNA glycosylase; minus strand). Cytogenetic location: 1p34.1.
Variant type: single nucleotide variant.
Coding change: c.226T>G on transcript NM_001048174.2 (MANE Select); coding-DNA position 226, T replaced by G.
Protein change: p.Tyr76Asp; replaces tyrosine 76 with aspartic acid.
Molecular consequence: missense variant. On other transcripts: 5 prime UTR variant (4), non-coding transcript variant (2).
Genome position (GRCh38, 1-based): chr1:45,333,451, A>C on the plus strand (T>G on the coding strand, the complement: MUTYH is on the minus strand). VCF-style: chr1-45333451-A-C. GRCh37 (hg19) VCF-style: chr1-45799123-A-C.
Other names: c.226T>G, p.Tyr76Asp (NM_001048171.2, NM_001048173.2, NM_001293195.2); c.229T>G, p.Tyr77Asp (NM_001048172.2); c.310T>G, p.Tyr104Asp (NM_001128425.2); c.271T>G, p.Tyr91Asp (NM_001293190.2); c.259T>G, p.Tyr87Asp (NM_001293191.2); c.-51T>G (NM_001293192.2, NM_001293196.2); c.-46T>G (NM_001350650.2, NM_001350651.2); c.301T>G, p.Tyr101Asp (NM_012222.3); short protein forms Y104D, Y101D, Y76D, Y87D, Y77D, Y91D.
Identifiers: ClinVar variation 406864 (VCV000406864.14), dbSNP rs1060501344, ClinGen allele CA16610202.